The following is an entry in ClinVar:

ClinVar aggregate classification (germline): Conflicting classifications of pathogenicity. Review status: criteria provided, conflicting classifications (1 of 4 stars). 5 submissions from 5 submitters: Uncertain significance (3); Likely benign (2). Last evaluated 2025-08-06.

Conditions:
Cardiovascular phenotype. Identifiers: MedGen CN230736.
Noonan syndrome 9 (NS9). Identifiers: Orphanet 648, MedGen C4225282, MONDO:0014691, OMIM 616559.

Allele frequency attached by ClinVar (database versions not stated): gnomAD exomes below 0.00001; gnomAD 0.00001 and 0.00002; ExAC 0.00002; TOPMed 0.00002; 1000 Genomes Project 30x 0.00016; 1000 Genomes Project 0.00020.
gnomAD v4.1: 12 of 1,613,906 alleles (0.00074%); highest among the groups gnomAD compares: African/African-American, 0.013%; no homozygotes.

Submissions (5):

Labcorp Genetics (formerly Invitae), Labcorp
Classification: Likely benign for Noonan syndrome 9. Last evaluated: 2025-08-06. Review status: criteria provided, single submitter. Criteria: Invitae Variant Classification Sherloc (09022015). Collection method: clinical testing. Allele origin: germline.

Ambry Genetics
Classification: Uncertain significance for Cardiovascular phenotype. Last evaluated: 2024-09-17. Review status: criteria provided, single submitter. Criteria: Ambry Variant Classification Scheme 2023. Collection method: clinical testing. Allele origin: germline.
Comment: The p.N1233T variant (also known as c.3698A>C), located in coding exon 23 of the SOS2 gene, results from an A to C substitution at nucleotide position 3698. The asparagine at codon 1233 is replaced by threonine, an amino acid with similar properties. This amino acid position is conserved. In addition, this alteration is predicted to be tolerated by in silico analysis. Since supporting evidence is limited at this time, the clinical significance of this alteration remains unclear.

CeGaT Center for Human Genetics Tuebingen
Classification: Likely benign. Last evaluated: 2024-03-01. Review status: criteria provided, single submitter. Criteria: CeGaT Center For Human Genetics Tuebingen Variant Classification Criteria Version 2. Collection method: clinical testing. Allele origin: germline. Affected: yes. Observed: 1 variant allele.
Comment: SOS2: BP4

Revvity Omics, Revvity
Classification: Uncertain significance for Noonan syndrome 9. Last evaluated: 2021-03-18. Review status: criteria provided, single submitter. Criteria: ACMG Guidelines, 2015. Collection method: clinical testing. Allele origin: germline.

Genome-Nilou Lab
Classification: Uncertain significance for Noonan syndrome 9. Review status: criteria provided, single submitter. Criteria: ACMG Guidelines, 2015. Collection method: clinical testing. Allele origin: germline.

NM_006939.4(SOS2):c.3698A>C (p.Asn1233Thr)

Gene: SOS2 (SOS Ras/Rho guanine nucleotide exchange factor 2; minus strand). Cytogenetic location: 14q21.3.
Variant type: single nucleotide variant.
Coding change: c.3698A>C on transcript NM_006939.4 (MANE Select); coding-DNA position 3698, A replaced by C.
Protein change: p.Asn1233Thr; replaces asparagine 1233 with threonine.
Molecular consequence: missense variant.
Genome position (GRCh38, 1-based): chr14:50,118,645, T>G on the plus strand (A>C on the coding strand, the complement: SOS2 is on the minus strand). VCF-style: chr14-50118645-T-G. GRCh37 (hg19) VCF-style: chr14-50585363-T-G.
Other names: short protein forms N1233T.
Identifiers: ClinVar variation 1504724 (VCV001504724.35), dbSNP rs201756168, ClinGen allele CA7176725.